The following is an entry in ClinVar:

NM_020937.4(FANCM):c.1880G>C (p.Arg627Pro)

Gene: FANCM (FA complementation group M; plus strand). Cytogenetic location: 14q21.2.
Variant type: single nucleotide variant.
Coding change: c.1880G>C on transcript NM_020937.4 (MANE Select); coding-DNA position 1880, G replaced by C.
Protein change: p.Arg627Pro; replaces arginine 627 with proline.
Molecular consequence: missense variant.
Genome position (GRCh38, 1-based): chr14:45,167,041, G>C. VCF-style: chr14-45167041-G-C. GRCh37 (hg19) VCF-style: chr14-45636244-G-C.
Other names: c.1802G>C, p.Arg601Pro (NM_001308133.2); c.1880G>C, p.Arg627Pro (NM_001308134.2); c.1880G>C (NM_020937.3); short protein forms R627P, R601P.
Identifiers: ClinVar variation 313202 (VCV000313202.16), dbSNP rs777379515, ClinGen allele CA7169177.

ClinVar aggregate classification (germline): Uncertain significance. Review status: criteria provided, multiple submitters, no conflicts (2 of 4 stars). 3 submissions from 3 submitters: Uncertain significance (3). Last evaluated 2025-10-14.

Conditions:
Fanconi anemia (FA). Also called: Fanconi's anemia. Identifiers: Orphanet 84, MedGen C0015625, MeSH D005199, MONDO:0019391.

Allele frequency attached by ClinVar (database versions not stated): ExAC 0.00001; TOPMed 0.00001; gnomAD 0.00003.
gnomAD v4.1: 24 of 1,611,824 alleles (0.0015%); highest among the groups gnomAD compares: Admixed American, 0.0017%; no homozygotes.

Submissions (3):

Labcorp Genetics (formerly Invitae), Labcorp
Classification: Uncertain significance for Fanconi anemia. Last evaluated: 2025-10-14. Review status: criteria provided, single submitter. Criteria: Invitae Variant Classification Sherloc (09022015). Collection method: clinical testing. Allele origin: germline.
Comment: This sequence change replaces arginine, which is basic and polar, with proline, which is neutral and non-polar, at codon 627 of the FANCM protein (p.Arg627Pro). This variant is present in population databases (rs777379515, gnomAD 0.03%). This missense change has been observed in individual(s) with breast cancer (PMID: 26689913). ClinVar contains an entry for this variant (Variation ID: 313202). An algorithm developed to predict the effect of missense changes on protein structure and function (PolyPhen-2) suggests that this variant is likely to be disruptive. In summary, the available evidence is currently insufficient to determine the role of this variant in disease. Therefore, it has been classified as a Variant of Uncertain Significance.

GeneDx
Classification: Uncertain significance. Last evaluated: 2023-07-21. Review status: criteria provided, single submitter. Criteria: GeneDx Variant Classification Process June 2021. Collection method: clinical testing. Allele origin: germline. Affected: yes.
Comment: In silico analysis supports that this missense variant has a deleterious effect on protein structure/function; Observed in an individual with breast cancer (Lu et al., 2015); This variant is associated with the following publications: (PMID: 26689913)

Genetic Services Laboratory, University of Chicago
Classification: Uncertain significance. Last evaluated: 2023-01-04. Review status: criteria provided, single submitter. Criteria: ACMG Guidelines, 2015. Collection method: clinical testing. Allele origin: germline. Affected: no.
Comment: DNA sequence analysis of the FANCM gene demonstrated a sequence change, c.1880G>C, in exon 11 that results in an amino acid change, p.Arg627Pro. This sequence change does not appear to have been previously described in individuals with FANCM-related disorders. This sequence change has been described in the gnomAD database with a global frequency of 0.002% (dbSNP rs777379515). The p.Arg627Pro change affects a highly conserved amino acid residue located in a domain of the FANCM protein that is known to be functional. In-silico pathogenicity prediction tools (SIFT, PolyPhen2, Align GVGD, REVEL) provide contradictory results for the p.Arg627Pro substitution. Due to insufficient evidence and the lack of functional studies, the clinical significance of the p.Arg627Pro change remains unknown at this time.

Literature cited by the submitters: PubMed 26689913 (cited by Labcorp Genetics (formerly Invitae), Labcorp).